The following is an entry in ClinVar:

ClinVar aggregate classification (germline): Uncertain significance. Review status: criteria provided, multiple submitters, no conflicts (2 of 4 stars). 2 submissions from 2 submitters: Uncertain significance (2). Last evaluated 2024-01-30.

Allele frequency attached by ClinVar (database versions not stated): TOPMed 0.00001; ExAC 0.00003; gnomAD 0.00003; gnomAD exomes 0.00004.

Submissions (2):

Labcorp Genetics (formerly Invitae), Labcorp
Classification: Uncertain significance. Last evaluated: 2024-01-30. Review status: criteria provided, single submitter. Criteria: Invitae Variant Classification Sherloc (09022015). Collection method: clinical testing. Allele origin: germline.
Comment: This sequence change replaces aspartic acid, which is acidic and polar, with asparagine, which is neutral and polar, at codon 1097 of the TECTA protein (p.Asp1097Asn). This variant is present in population databases (rs760418440, gnomAD 0.006%). This variant has not been reported in the literature in individuals affected with TECTA-related conditions. Advanced modeling of protein sequence and biophysical properties (such as structural, functional, and spatial information, amino acid conservation, physicochemical variation, residue mobility, and thermodynamic stability) performed at Invitae indicates that this missense variant is not expected to disrupt TECTA protein function with a negative predictive value of 95%. In summary, the available evidence is currently insufficient to determine the role of this variant in disease. Therefore, it has been classified as a Variant of Uncertain Significance.

Blueprint Genetics
Classification: Uncertain significance. Last evaluated: 2023-09-04. Review status: criteria provided, single submitter. Criteria: ACMG Guidelines, 2015. Collection method: clinical testing. Allele origin: germline.

NM_005422.4(TECTA):c.3289G>A (p.Asp1097Asn)

Genes: TBCEL-TECTA (TBCEL-TECTA readthrough; plus strand), TECTA (tectorin alpha; plus strand). Cytogenetic location: 11q23.3.
Variant type: single nucleotide variant.
Coding change: c.3289G>A on transcript NM_005422.4 (MANE Select); coding-DNA position 3289, G replaced by A.
Protein change: p.Asp1097Asn; replaces aspartic acid 1097 with asparagine.
Molecular consequence: missense variant.
Genome position (GRCh38, 1-based): chr11:121,137,768, G>A. VCF-style: chr11-121137768-G-A. GRCh37 (hg19) VCF-style: chr11-121008477-G-A.
Other names: c.4246G>A, p.Asp1416Asn (NM_001378761.1); short protein forms D1416N, D1097N.
Identifiers: ClinVar variation 2906024 (VCV002906024.4), dbSNP rs760418440, ClinGen allele CA6327182.
Genomic context (GRCh38, chr11:121,137,768, plus strand): 5'-TGCAAGGATGATGAGTACTGCATGGAGGAAGGTGGCCTGTACTACTGCCAAGCCCGCACC[G>A]ACGCCTCCTGCATCGTCTCAGGCTACGGCCACTACCTCACCTTTGATGGCTTCCCCTTTG-3'
Protein context (NP_005413.2, residues 1087-1107): GGLYYCQART[Asp1097Asn]ASCIVSGYGH